The following is an entry in ClinVar:

ClinVar aggregate classification (germline): Likely pathogenic (1 of 4 stars; one submission).

Conditions:
Combined oxidative phosphorylation defect type 14. Also called: Combined oxidative phosphorylation deficiency 14. Identifiers: Orphanet 319519, MedGen C4755312, MONDO:0013986, OMIM 614946.

Submission:

Labcorp Genetics (formerly Invitae), Labcorp
Classification: Likely pathogenic for Combined oxidative phosphorylation defect type 14. Last evaluated: 2022-07-05. Review status: criteria provided, single submitter. Criteria: Invitae Variant Classification Sherloc (09022015). Collection method: clinical testing. Allele origin: germline.
Comment: This variant has not been reported in the literature in individuals affected with FARS2-related conditions. In summary, the currently available evidence indicates that the variant is pathogenic, but additional data are needed to prove that conclusively. Therefore, this variant has been classified as Likely Pathogenic. This variant results in a copy number gain of the genomic region encompassing exon(s) 5 of the FARS2 gene. While the exact position of this variant cannot be determined from the data, sub-genic copy number gains are generally in tandem (PMID: 25640679). This variant is predicted to be out-of-frame, and may result in an absent or disrupted protein product. Loss-of-function variants in FARS2 are known to be pathogenic (PMID: 22833457).

Literature cited by the submitters: PubMed 25640679; PubMed 22833457.

NC_000006.11:g.(?_5545393)_(5545593_?)dup

Gene: FARS2 (phenylalanyl-tRNA synthetase 2, mitochondrial; plus strand). Cytogenetic location: 6p25.1.
Variant type: Duplication.
Identifiers: ClinVar variation 2425609 (VCV002425609.4).